The following is an entry in ClinVar:

ClinVar aggregate classification (germline): Uncertain significance. Review status: criteria provided, multiple submitters, no conflicts (2 of 4 stars). 2 submissions from 2 submitters: Uncertain significance (2). Last evaluated 2024-05-09.

Allele frequency attached by ClinVar (database versions not stated): gnomAD 0.00001; ExAC 0.00002; gnomAD exomes 0.00002; TOPMed 0.00002.
gnomAD v4.1: 27 of 1,611,862 alleles (0.0017%); highest among the groups gnomAD compares: Non-Finnish European, 0.0021%; no homozygotes.

Submissions (2):

Blueprint Genetics
Classification: Uncertain significance. Last evaluated: 2024-05-09. Review status: criteria provided, single submitter. Criteria: ACMG Guidelines, 2015. Collection method: clinical testing. Allele origin: germline.

Labcorp Genetics (formerly Invitae), Labcorp
Classification: Uncertain significance. Last evaluated: 2022-06-17. Review status: criteria provided, single submitter. Criteria: Invitae Variant Classification Sherloc (09022015). Collection method: clinical testing. Allele origin: germline.
Comment: This sequence change replaces glycine, which is neutral and non-polar, with glutamic acid, which is acidic and polar, at codon 2171 of the USH2A protein (p.Gly2171Glu). This variant is present in population databases (rs771744827, gnomAD 0.006%). This variant has not been reported in the literature in individuals affected with USH2A-related conditions. Algorithms developed to predict the effect of missense changes on protein structure and function (SIFT, PolyPhen-2, Align-GVGD) all suggest that this variant is likely to be disruptive. In summary, the available evidence is currently insufficient to determine the role of this variant in disease. Therefore, it has been classified as a Variant of Uncertain Significance.

NM_206933.4(USH2A):c.6512G>A (p.Gly2171Glu)

Gene: USH2A (usherin; minus strand). Cytogenetic location: 1q41.
Variant type: single nucleotide variant.
Coding change: c.6512G>A on transcript NM_206933.4 (MANE Select); coding-DNA position 6512, G replaced by A.
Protein change: p.Gly2171Glu; replaces glycine 2171 with glutamic acid.
Molecular consequence: missense variant.
Genome position (GRCh38, 1-based): chr1:215,999,032, C>T on the plus strand (G>A on the coding strand, the complement: USH2A is on the minus strand). VCF-style: chr1-215999032-C-T. GRCh37 (hg19) VCF-style: chr1-216172374-C-T.
Other names: short protein forms G2171E.
Identifiers: ClinVar variation 2167033 (VCV002167033.2), dbSNP rs771744827, ClinGen allele CA1395115.